The following is an entry in ClinVar:

NM_015102.5(NPHP4):c.871G>C (p.Val291Leu)

Gene: NPHP4 (nephrocystin 4; minus strand). Cytogenetic location: 1p36.31.
Variant type: single nucleotide variant.
Coding change: c.871G>C on transcript NM_015102.5 (MANE Select); coding-DNA position 871, G replaced by C.
Protein change: p.Val291Leu; replaces valine 291 with leucine.
Molecular consequence: missense variant. On other transcripts: 5 prime UTR variant (2), non-coding transcript variant (1).
Genome position (GRCh38, 1-based): chr1:5,948,191, C>G on the plus strand (G>C on the coding strand, the complement: NPHP4 is on the minus strand). VCF-style: chr1-5948191-C-G. GRCh37 (hg19) VCF-style: chr1-6008251-C-G.
Other names: c.-496G>C (NM_001291593.2, NM_001291594.2); short protein forms V291L.
Identifiers: ClinVar variation 1944810 (VCV001944810.3), dbSNP rs200938839, ClinGen allele CA338065137.

ClinVar aggregate classification (germline): Uncertain significance (1 of 4 stars; one submission).

Conditions:
Nephronophthisis. Also called: Juvenile Nephronophthisis. Identifiers: Orphanet 655, MedGen C0687120, MONDO:0019005, HP:0000090.

Submission:

Labcorp Genetics (formerly Invitae), Labcorp
Classification: Uncertain significance for Nephronophthisis. Last evaluated: 2026-01-13. Review status: criteria provided, single submitter. Criteria: Invitae Variant Classification Sherloc (09022015). Collection method: clinical testing. Allele origin: germline.
Comment: This sequence change replaces valine, which is neutral and non-polar, with leucine, which is neutral and non-polar, at codon 291 of the NPHP4 protein (p.Val291Leu). This variant is not present in population databases (gnomAD no frequency). This variant has not been reported in the literature in individuals affected with NPHP4-related conditions. ClinVar contains an entry for this variant (Variation ID: 1944810). Invitae Evidence Modeling of protein sequence and biophysical properties (such as structural, functional, and spatial information, amino acid conservation, physicochemical variation, residue mobility, and thermodynamic stability) has been performed for this missense variant. However, the output from this modeling did not meet the statistical confidence thresholds required to predict the impact of this variant on NPHP4 protein function. In summary, the available evidence is currently insufficient to determine the role of this variant in disease. Therefore, it has been classified as a Variant of Uncertain Significance.